The following is an entry in ClinVar:

NM_001369.3(DNAH5):c.7787_7788insCCTGG (p.Lys2596fs)

Gene: DNAH5 (dynein axonemal heavy chain 5; minus strand). Cytogenetic location: 5p15.2.
Variant type: Insertion.
Coding change: c.7787_7788insCCTGG on transcript NM_001369.3 (MANE Select); coding-DNA positions 7787 to 7788, CCTGG inserted.
Protein change: p.Lys2596fs; shifts the reading frame from lysine 2596.
Molecular consequence: frameshift variant.
Genome position: GRCh38 VCF-style: chr5-13807690-T-TCCAGG. GRCh37 (hg19) VCF-style: chr5-13807799-T-TCCAGG.
Other names: short protein forms K2596fs.
Identifiers: ClinVar variation 5011063 (VCV005011063.1).

ClinVar aggregate classification (germline): Pathogenic (1 of 4 stars; one submission).

Conditions:
Primary ciliary dyskinesia 3. Identifiers: Orphanet 244, MedGen C1837618, MONDO:0012085, OMIM 608644.

Submission:

Myriad Genetics, Inc.
Classification: Pathogenic for Primary ciliary dyskinesia 3. Last evaluated: 2024-05-14. Review status: criteria provided, single submitter. Criteria: Myriad Autosomal Dominant, Autosomal Recessive and X-Linked Classification Criteria (2023). Collection method: clinical testing. Allele origin: unknown.
Comment: NM_001369.2(DNAH5):c.7787_7788ins5(K2596Nfs*5) is expected to be pathogenic in the context of primary ciliary dyskinesia, DNAH5-related. This variant is predicted to lead to an abnormal or absent protein product due to the creation of a premature termination codon in DNAH5, a gene where loss-of-function variants are known to be pathogenic. Please note: this variant was assessed in the context of healthy population screening.